The following is an entry in ClinVar:

ClinVar aggregate classification (germline): Uncertain significance (1 of 4 stars; one submission).

Conditions:
DK1-congenital disorder of glycosylation. Also called: DOLK-congenital disorder of glycosylation; Carbohydrate deficient glycoprotein syndrome type 1m; DK1-CDG; CONGENITAL DISORDER OF GLYCOSYLATION, TYPE Im; CDG Im; DK1 DEFICIENCY. Identifiers: Orphanet 91131, MedGen C1835849, MONDO:0012556, OMIM 610768.

Allele frequency attached by ClinVar (database versions not stated): ExAC 0.00001; gnomAD exomes 0.00001; TOPMed 0.00001; gnomAD 0.00002; ESP Exome Variant Server 0.00008.

Submission:

Labcorp Genetics (formerly Invitae), Labcorp
Classification: Uncertain significance for DK1-congenital disorder of glycosylation. Last evaluated: 2022-04-28. Review status: criteria provided, single submitter. Criteria: Invitae Variant Classification Sherloc (09022015). Collection method: clinical testing. Allele origin: germline.
Comment: This sequence change replaces alanine, which is neutral and non-polar, with glycine, which is neutral and non-polar, at codon 102 of the DOLK protein (p.Ala102Gly). This variant is present in population databases (rs140664342, gnomAD 0.01%). This variant has not been reported in the literature in individuals affected with DOLK-related conditions. Algorithms developed to predict the effect of missense changes on protein structure and function (SIFT, PolyPhen-2, Align-GVGD) all suggest that this variant is likely to be tolerated. In summary, the available evidence is currently insufficient to determine the role of this variant in disease. Therefore, it has been classified as a Variant of Uncertain Significance.

NM_014908.4(DOLK):c.305C>G (p.Ala102Gly)

Gene: DOLK (dolichol kinase; minus strand). Cytogenetic location: 9q34.11.
Variant type: single nucleotide variant.
Coding change: c.305C>G on transcript NM_014908.4 (MANE Select); coding-DNA position 305, C replaced by G.
Protein change: p.Ala102Gly; replaces alanine 102 with glycine.
Molecular consequence: missense variant.
Genome position (GRCh38, 1-based): chr9:128,946,999, G>C on the plus strand (C>G on the coding strand, the complement: DOLK is on the minus strand). VCF-style: chr9-128946999-G-C. GRCh37 (hg19) VCF-style: chr9-131709278-G-C.
Other names: short protein forms A102G.
Identifiers: ClinVar variation 1923722 (VCV001923722.2), dbSNP rs140664342, ClinGen allele CA5271771.